The following is an entry in ClinVar:

ClinVar aggregate classification (germline): Uncertain significance. Review status: criteria provided, multiple submitters, no conflicts (2 of 4 stars). 7 submissions from 7 submitters: Uncertain significance (7). Last evaluated 2026-01-21.

Conditions:
Familial thoracic aortic aneurysm and aortic dissection (TAAD). Also called: Thoracic aortic aneurysms and dissections. Identifiers: Orphanet 91387, MedGen C4707243, MONDO:0019625.
Marfan syndrome (MFS). Also called: Marfan syndrome, classic; Marfan syndrome type 1; Marfan's syndrome; FBN1-Related Marfan Syndrome; MARFAN SYNDROME, TYPE I. Identifiers: Orphanet 284963, Orphanet 558, MedGen C0024796, MONDO:0007947, OMIM 154700.
Weill-Marchesani syndrome 2, dominant. Also called: FBN1-Related Weill-Marchesani Syndrome; Weill-Marchesani Syndrome, Autosomal Dominant. Identifiers: Orphanet 2084, MedGen C1869115, MONDO:0012013, OMIM 608328.
Progeroid and marfanoid aspect-lipodystrophy syndrome. Also called: MARFANOID-PROGEROID SYNDROME; MARFAN-PROGEROID-LIPODYSTROPHY SYNDROME; Marfan lipodystrophy syndrome; MARFANOID-PROGEROID-LIPODYSTROPHY SYNDROME. Identifiers: Orphanet 300382, MedGen C4310796, MONDO:0014831, OMIM 616914.
Acromicric dysplasia (ACMICD). Also called: Acromicric skeletal dysplasia. Identifiers: Orphanet 969, MedGen C0265287, MONDO:0007055, OMIM 102370.
Ectopia lentis 1, isolated, autosomal dominant (ECTOL1). Identifiers: Orphanet 1885, MedGen C3541518, MONDO:0007514, OMIM 129600.
Geleophysic dysplasia 2 (GPHYSD2). Identifiers: Orphanet 2623, MedGen C3280054, MONDO:0013612, OMIM 614185.
MASS syndrome (OCTD). Also called: OVERLAP CONNECTIVE TISSUE DISEASE; MASS PHENOTYPE. Identifiers: MedGen C1858556, MONDO:0011431, OMIM 604308.
Stiff skin syndrome (SSKS). Identifiers: Orphanet 2833, MedGen C1861456, MONDO:0008492, OMIM 184900.

Allele frequency attached by ClinVar (database versions not stated): gnomAD exomes 0.00001; TOPMed 0.00001.
gnomAD v4.1: 39 of 1,614,116 alleles (0.0024%); highest among the groups gnomAD compares: Middle Eastern, 0.033%; no homozygotes.

Submissions (7):

Labcorp Genetics (formerly Invitae), Labcorp
Classification: Uncertain significance for Marfan syndrome; Familial thoracic aortic aneurysm and aortic dissection. Last evaluated: 2026-01-21. Review status: criteria provided, single submitter. Criteria: Invitae Variant Classification Sherloc (09022015). Collection method: clinical testing. Allele origin: germline.
Comment: This sequence change replaces arginine, which is basic and polar, with histidine, which is basic and polar, at codon 1820 of the FBN1 protein (p.Arg1820His). This variant is present in population databases (no rsID available, gnomAD 0.003%). This variant has not been reported in the literature in individuals affected with FBN1-related conditions. ClinVar contains an entry for this variant (Variation ID: 918773). Invitae Evidence Modeling of protein sequence and biophysical properties (such as structural, functional, and spatial information, amino acid conservation, physicochemical variation, residue mobility, and thermodynamic stability) has been performed for this missense variant. However, the output from this modeling did not meet the statistical confidence thresholds required to predict the impact of this variant on FBN1 protein function. In summary, the available evidence is currently insufficient to determine the role of this variant in disease. Therefore, it has been classified as a Variant of Uncertain Significance.

Ambry Genetics
Classification: Uncertain significance for Familial thoracic aortic aneurysm and aortic dissection. Last evaluated: 2025-04-25. Review status: criteria provided, single submitter. Criteria: Ambry Variant Classification Scheme 2023. Collection method: clinical testing. Allele origin: germline.
Comment: The p.R1820H variant (also known as c.5459G>A), located in coding exon 44 of the FBN1 gene, results from a G to A substitution at nucleotide position 5459. The arginine at codon 1820 is replaced by histidine, an amino acid with highly similar properties. This amino acid position is not well conserved in available vertebrate species. In addition, the in silico prediction for this alteration is inconclusive. Since supporting evidence is limited at this time, the clinical significance of this alteration remains unclear.

Color Diagnostics, LLC DBA Color Health
Classification: Uncertain significance for Familial thoracic aortic aneurysm and aortic dissection. Last evaluated: 2025-03-17. Review status: criteria provided, single submitter. Criteria: ACMG Guidelines, 2015. Collection method: clinical testing. Allele origin: germline.
Comment: This missense variant replaces arginine with histidine at codon 1820 of the FBN1 protein. Computational prediction tool is inconclusive regarding the impact of this variant on protein structure and function. To our knowledge, functional studies have not been reported for this variant. This variant has not been reported in individuals affected with FBN1-related disorders in the literature. This variant has been identified in 2/251204 chromosomes in the general population by the Genome Aggregation Database (gnomAD). The available evidence is insufficient to determine the role of this variant in disease conclusively. Therefore, this variant is classified as a Variant of Uncertain Significance.

All of Us Research Program, National Institutes of Health
Classification: Uncertain significance for Marfan syndrome. Last evaluated: 2024-09-23. Review status: criteria provided, single submitter. Criteria: ACMG Guidelines, 2015. Collection method: clinical testing. Allele origin: germline. Inheritance: Autosomal dominant inheritance. Observed: 8 variant alleles, 8 heterozygotes.
Comment: This missense variant replaces arginine with histidine at codon 1820 of the FBN1 protein. Computational prediction is inconclusive regarding the impact of this variant on protein structure and function (internally defined REVEL score threshold 0.5 < inconclusive < 0.7, PMID: 27666373). To our knowledge, functional studies have not been reported for this variant. This variant has not been reported in individuals affected with cardiovascular disorders in the literature. This variant has been identified in 2/251204 chromosomes in the general population by the Genome Aggregation Database (gnomAD). The available evidence is insufficient to determine the role of this variant in disease conclusively. Therefore, this variant is classified as a Variant of Uncertain Significance.

This study involves interpretation of variants in research participants for the purpose of population health screening. Participant phenotype was not available at the time of variant classification. Additional details can be found in publication PMID: 35346344, PMCID: PMC8962531

Institute of Human Genetics, University of Goettingen
Classification: Uncertain significance for Marfan syndrome. Last evaluated: 2022-05-20. Review status: criteria provided, single submitter. Criteria: ACMG Guidelines, 2015. Collection method: clinical testing. Allele origin: unknown. Inheritance: Autosomal dominant inheritance. Observed: 1 heterozygote.
Comment: For the following reasons, the FBN1 sequence variant found is assessed by us as a "variant of uncertain significance" (VUS): the mutation is already listed in ClinVar as a "variant of uncertain significance" (ClinVar: Variation ID: 918773; dbSNP: rs1340155407); a comparison with the gnomAD browser did not provide any evidence that this sequence change is a norm variant detectable also in non-affected individuals, the mutation occurs with a frequency of 0.0008% (gnomAD), and never in the homozygous state; the mutation is independently classified as deleterious by three (M-CAP, PolyPhen-2, MutationTaster) prediction programs. An autosomal dominant inheritance underlies the FBN1-associated diseases and an incomplete penetrance with variable expressivity is found, so that oligosymptomatic carriers may also occur. The above-mentioned FBN1 sequence variant is still classified by us as a "variant of uncertain significance" with unclear clinical relevance (class 3).

Fulgent Genetics
Classification: Uncertain significance for Acromicric dysplasia; Ectopia lentis 1, isolated, autosomal dominant; Marfan syndrome; Stiff skin syndrome; MASS syndrome; Weill-Marchesani syndrome 2, dominant; Geleophysic dysplasia 2; Progeroid and marfanoid aspect-lipodystrophy syndrome. Last evaluated: 2022-04-22. Review status: criteria provided, single submitter. Criteria: ACMG Guidelines, 2015. Collection method: clinical testing. Allele origin: unknown.

GeneDx
Classification: Uncertain significance. Last evaluated: 2019-04-22. Review status: criteria provided, single submitter. Criteria: GeneDx Variant Classification Process June 2021. Collection method: clinical testing. Allele origin: germline. Affected: yes.
Comment: Has not been previously published as pathogenic or benign to our knowledge; Not observed at a significant frequency in large population cohorts (Lek et al., 2016); In silico analysis, which includes protein predictors and evolutionary conservation, supports that this variant does not alter protein structure/function; Although located in a calcium-binding EGF-like domain of the FBN1 gene, it does not affect a cysteine residue within this domain; cysteine substitutions in the calcium-binding EGF-like domains represent the majority of pathogenic missense changes associated with FBN1-related disorders (Collod-Beroud et al., 2003)

NM_000138.5(FBN1):c.5459G>A (p.Arg1820His)

Gene: FBN1 (fibrillin 1; minus strand). Cytogenetic location: 15q21.1.
Variant type: single nucleotide variant.
Coding change: c.5459G>A on transcript NM_000138.5 (MANE Select); coding-DNA position 5459, G replaced by A.
Protein change: p.Arg1820His; replaces arginine 1820 with histidine.
Molecular consequence: missense variant.
Genome position (GRCh38, 1-based): chr15:48,452,648, C>T on the plus strand (G>A on the coding strand, the complement: FBN1 is on the minus strand). VCF-style: chr15-48452648-C-T. GRCh37 (hg19) VCF-style: chr15-48744845-C-T.
Other names: short protein forms R1820H.
Identifiers: ClinVar variation 918773 (VCV000918773.21), dbSNP rs1340155407, ClinGen allele CA392344366.